The following is an entry in ClinVar:

ClinVar aggregate classification (germline): Benign (1 of 4 stars; one submission).

Allele frequency attached by ClinVar (database versions not stated): gnomAD exomes 0.03422; gnomAD 0.04378 and 0.04504; TOPMed 0.04686; 1000 Genomes Project 30x 0.07214; 1000 Genomes Project 0.07548.

Submission:

GeneDx
Classification: Benign. Last evaluated: 2018-06-14. Review status: criteria provided, single submitter. Criteria: GeneDx Variant Classification (06012015). Collection method: clinical testing. Allele origin: germline. Affected: yes.
Comment: This variant is considered likely benign or benign based on one or more of the following criteria: it is a conservative change, it occurs at a poorly conserved position in the protein, it is predicted to be benign by multiple in silico algorithms, and/or has population frequency not consistent with disease.

NM_001267550.2(TTN):c.28463-132T>C

Gene: TTN (titin; minus strand). Cytogenetic location: 2q31.2.
Variant type: single nucleotide variant.
Coding change: c.28463-132T>C on transcript NM_001267550.2 (MANE Select); 132 bases into the intron before coding-DNA position 28463, T replaced by C.
Molecular consequence: intron variant.
Genome position (GRCh38, 1-based): chr2:178,709,988, A>G on the plus strand (T>C on the coding strand, the complement: TTN is on the minus strand). VCF-style: chr2-178709988-A-G. GRCh37 (hg19) VCF-style: chr2-179574715-A-G.
Other names: c.13282+28094T>C (NM_003319.4); c.13858+28094T>C (NM_133437.4); c.13657+28094T>C (NM_133432.3); c.24731-132T>C (NM_133378.4); c.27512-132T>C (NM_001256850.1).
Identifiers: ClinVar variation 673411 (VCV000673411.1), dbSNP rs2562841, ClinGen allele CA60963574.